The following is an entry in ClinVar:

ClinVar aggregate classification (germline): Uncertain significance (1 of 4 stars; one submission).

Conditions:
Neuronopathy, distal hereditary motor, autosomal recessive 4. Also called: Autosomal recessive lower motor neuron disease with childhood onset; NEUROPATHY, DISTAL HEREDITARY MOTOR, AUTOSOMAL RECESSIVE 4. Identifiers: Orphanet 206580, MedGen C1970211, MONDO:0012608, OMIM 611067.
Charcot-Marie-Tooth disease recessive intermediate C. Also called: CHARCOT-MARIE-TOOTH NEUROPATHY, RECESSIVE INTERMEDIATE C. Identifiers: Orphanet 369867, MedGen C3809309, MONDO:0014154, OMIM 615376.

Allele frequency attached by ClinVar (database versions not stated): gnomAD exomes below 0.00001 and 0.00001; ExAC 0.00002.
gnomAD v4.1: 2 of 1,570,754 alleles (0.00013%); highest among the groups gnomAD compares: Non-Finnish European, 0.00017%; no homozygotes.

Submission:

Labcorp Genetics (formerly Invitae), Labcorp
Classification: Uncertain significance for Neuronopathy, distal hereditary motor, autosomal recessive 4; Charcot-Marie-Tooth disease recessive intermediate C. Last evaluated: 2021-12-23. Review status: criteria provided, single submitter. Criteria: Invitae Variant Classification Sherloc (09022015). Collection method: clinical testing. Allele origin: germline.
Comment: This variant is present in population databases (rs753662166, gnomAD 0.002%). This variant has not been reported in the literature in individuals affected with PLEKHG5-related conditions. ClinVar contains an entry for this variant (Variation ID: 581116). Algorithms developed to predict the effect of missense changes on protein structure and function (SIFT, PolyPhen-2, Align-GVGD) all suggest that this variant is likely to be tolerated. In summary, the available evidence is currently insufficient to determine the role of this variant in disease. Therefore, it has been classified as a Variant of Uncertain Significance. This sequence change replaces proline, which is neutral and non-polar, with alanine, which is neutral and non-polar, at codon 895 of the PLEKHG5 protein (p.Pro895Ala).

NM_020631.6(PLEKHG5):c.2683C>G (p.Pro895Ala)

Gene: PLEKHG5 (pleckstrin homology and RhoGEF domain containing G5; minus strand). Cytogenetic location: 1p36.31.
Variant type: single nucleotide variant.
Coding change: c.2683C>G on transcript NM_020631.6 (MANE Select); coding-DNA position 2683, C replaced by G.
Protein change: p.Pro895Ala; replaces proline 895 with alanine.
Molecular consequence: missense variant.
Genome position (GRCh38, 1-based): chr1:6,468,153, G>C on the plus strand (C>G on the coding strand, the complement: PLEKHG5 is on the minus strand). VCF-style: chr1-6468153-G-C. GRCh37 (hg19) VCF-style: chr1-6528213-G-C.
Other names: c.2794C>G, p.Pro932Ala (NM_001042663.3, NM_001265592.2); c.2683C>G, p.Pro895Ala (NM_001042664.2, NM_001042665.2, NM_001265594.3 and 1 more transcripts); c.2890C>G, p.Pro964Ala (NM_001265593.2); short protein forms P895A, P964A, P932A.
Identifiers: ClinVar variation 581116 (VCV000581116.9), dbSNP rs753662166, ClinGen allele CA561108.
Genomic context (GRCh38, chr1:6,468,153, plus strand): 5'-TAATACCTGGGGCTGGAACAGCCAGGCAGAGCTCTGACAGGCTGCGGCTGGGGGCAGAGG[G>C]TGTCCCATGGGTGCCAGCCCCTGCCAGCAGCTGGAGGAGGCTGGCCTCGGACTTAGACTT-3'
Protein context (NP_065682.2, residues 885-905): LLAGAGTHGT[Pro895Ala]SAPSRSLSEL